The following is an entry in ClinVar:

NM_182961.4(SYNE1):c.10295_10299del (p.Ala3432fs)

Gene: SYNE1 (spectrin repeat containing nuclear envelope protein 1; minus strand). Cytogenetic location: 6q25.2.
Variant type: Deletion.
Coding change: c.10295_10299del on transcript NM_182961.4 (MANE Select); coding-DNA positions 10295 to 10299, 5 bases deleted (CCAAG; older notation c.10295_10299delCCAAG).
Protein change: p.Ala3432fs; shifts the reading frame from alanine 3432.
Molecular consequence: frameshift variant.
Genome position (GRCh38, 1-based): chr6:152,362,170-152,362,174, CTTGG deleted on the plus strand (CCAAG on the coding strand, the reverse complement: SYNE1 is on the minus strand); deleting any 5 consecutive bases within chr6:152,362,170-152,362,177 gives the same sequence; the c. name uses the placement nearest the transcript's 3' end. VCF-style (leftmost placement, unchanged base first): chr6-152362169-CCTTGG-C. GRCh37 (hg19) VCF-style: chr6-152683304-CCTTGG-C.
Other names: c.10316_10320del, p.Ala3439fs (NM_033071.5); short protein forms A3432fs, A3439fs.
Identifiers: ClinVar variation 3338086 (VCV003338086.1).

ClinVar aggregate classification (germline): Likely pathogenic (0 of 4 stars; one submission).

Conditions:
Autosomal recessive ataxia, Beauce type. Also called: SYNE1 Deficiency; Spinocerebellar ataxia, autosomal recessive 8; ATAXIA, RECESSIVE, OF BEAUCE; SYNE1-Related Autosomal Recessive Cerebellar Ataxia. Identifiers: Orphanet 88644, MedGen C1853116, MONDO:0012549, OMIM 610743.

Submission:

Solve-RD Consortium
Classification: Likely pathogenic for Autosomal recessive ataxia, Beauce type. Last evaluated: 2022-06-01. Review status: no assertion criteria provided. Collection method: provider interpretation. Allele origin: inherited. Affected: yes.
Comment: Variant confirmed as disease-causing by referring clinical team

Variant identified during reanalysis of unsolved cases by the Solve-RD project. The Solve-RD project has received funding from the European Union’s Horizon 2020 research and innovation programme under grant agreement No 779257.

Literature cited by the submitters: PubMed 39825153.